The following is an entry in ClinVar:

ClinVar aggregate classification (germline): Conflicting classifications of pathogenicity. Review status: criteria provided, conflicting classifications (1 of 4 stars). 3 submissions from 3 submitters: Uncertain significance (2); Benign (1). Last evaluated 2026-01-21.

Conditions:
Hereditary cancer-predisposing syndrome. Also called: Neoplastic Syndromes, Hereditary; Hereditary neoplastic syndrome; Tumor predisposition; Hereditary Cancer Syndrome. Identifiers: Orphanet 140162, MedGen C0027672, MeSH D009386, MONDO:0015356.
Neuroblastoma, susceptibility to, 3. Also called: ALK-Related Neuroblastic Tumor Susceptibility. Identifiers: Orphanet 635, MedGen C2751681, MONDO:0013083, OMIM 613014.

Allele frequency attached by ClinVar (database versions not stated): ExAC 0.00001; gnomAD 0.00001 and 0.00002; TOPMed 0.00001; gnomAD exomes 0.00002.
gnomAD v4.1: 6 of 1,614,080 alleles (0.00037%); highest among the groups gnomAD compares: East Asian, 0.0045%; no homozygotes.

Submissions (3):

Labcorp Genetics (formerly Invitae), Labcorp
Classification: Uncertain significance for Neuroblastoma, susceptibility to, 3. Last evaluated: 2026-01-21. Review status: criteria provided, single submitter. Criteria: Invitae Variant Classification Sherloc (09022015). Collection method: clinical testing. Allele origin: germline.
Comment: This sequence change replaces asparagine, which is neutral and polar, with lysine, which is basic and polar, at codon 1544 of the ALK protein (p.Asn1544Lys). This variant is present in population databases (rs763403897, gnomAD 0.02%). This variant has not been reported in the literature in individuals affected with ALK-related conditions. ClinVar contains an entry for this variant (Variation ID: 665965). An algorithm developed to predict the effect of missense changes on protein structure and function (PolyPhen-2) suggests that this variant is likely to be tolerated. In summary, the available evidence is currently insufficient to determine the role of this variant in disease. Therefore, it has been classified as a Variant of Uncertain Significance.

Ambry Genetics
Classification: Benign for Hereditary cancer-predisposing syndrome. Last evaluated: 2024-06-26. Review status: criteria provided, single submitter. Criteria: Ambry Variant Classification Scheme 2023. Collection method: clinical testing. Allele origin: germline.

GeneDx
Classification: Uncertain significance. Last evaluated: 2022-06-28. Review status: criteria provided, single submitter. Criteria: GeneDx Variant Classification Process June 2021. Collection method: clinical testing. Allele origin: germline. Affected: yes.
Comment: Not observed at significant frequency in large population cohorts (gnomAD); In silico analysis supports that this missense variant has a deleterious effect on protein structure/function; Has not been previously published as pathogenic or benign to our knowledge

Literature cited by the submitters: PubMed 35982322 (cited by Ambry Genetics).

NM_004304.5(ALK):c.4632C>A (p.Asn1544Lys)

Gene: ALK (ALK receptor tyrosine kinase; minus strand). Cytogenetic location: 2p23.2.
Variant type: single nucleotide variant.
Coding change: c.4632C>A on transcript NM_004304.5 (MANE Select); coding-DNA position 4632, C replaced by A.
Protein change: p.Asn1544Lys; replaces asparagine 1544 with lysine.
Molecular consequence: missense variant.
Genome position (GRCh38, 1-based): chr2:29,193,455, G>T on the plus strand (C>A on the coding strand, the complement: ALK is on the minus strand). VCF-style: chr2-29193455-G-T. GRCh37 (hg19) VCF-style: chr2-29416321-G-T.
Other names: c.1428C>A, p.Asn476Lys (NM_001353765.2); short protein forms N476K, N1544K.
Identifiers: ClinVar variation 665965 (VCV000665965.12), dbSNP rs763403897, ClinGen allele CA1593525.